The following is an entry in ClinVar:

NM_001363711.2(DUOX2):c.4240-3C>A

Gene: DUOX2 (dual oxidase 2; minus strand). Cytogenetic location: 15q21.1.
Variant type: single nucleotide variant.
Coding change: c.4240-3C>A on transcript NM_001363711.2 (MANE Select); 3 bases into the intron before coding-DNA position 4240, C replaced by A.
Molecular consequence: intron variant.
Genome position (GRCh38, 1-based): chr15:45,095,094, G>T on the plus strand (C>A on the coding strand, the complement: DUOX2 is on the minus strand). VCF-style: chr15-45095094-G-T. GRCh37 (hg19) VCF-style: chr15-45387292-G-T.
Other names: c.4240-3C>A (NM_014080.5).
Identifiers: ClinVar variation 1473363 (VCV001473363.6), dbSNP rs750079243, ClinGen allele CA7537579.
Genomic context (GRCh38, chr15:45,095,094, plus strand): 5'-TGATGTCAGCCAGCCACTCAAACTGACGCTGGGTCCGTGTCACCCAGATGAAGTAGATCT[G>T]GGGACACAGGGCTGGAGATCAGGACCCAGCTCAGTTCAGCCTCCCTAGATCCCAGGTGCC-3'

ClinVar aggregate classification (germline): Uncertain significance (1 of 4 stars; one submission).

Allele frequency attached by ClinVar (database versions not stated): TOPMed below 0.00001; ExAC 0.00002.

Submission:

Labcorp Genetics (formerly Invitae), Labcorp
Classification: Uncertain significance. Last evaluated: 2024-07-09. Review status: criteria provided, single submitter. Criteria: Invitae Variant Classification Sherloc (09022015). Collection method: clinical testing. Allele origin: germline.
Comment: This sequence change falls in intron 31 of the DUOX2 gene. It does not directly change the encoded amino acid sequence of the DUOX2 protein. It affects a nucleotide within the consensus splice site. The frequency data for this variant in the population databases is considered unreliable, as metrics indicate poor data quality at this position in the gnomAD database. This variant has not been reported in the literature in individuals affected with DUOX2-related conditions. ClinVar contains an entry for this variant (Variation ID: 1473363). Variants that disrupt the consensus splice site are a relatively common cause of aberrant splicing (PMID: 17576681, 9536098). Algorithms developed to predict the effect of sequence changes on RNA splicing suggest that this variant may create or strengthen a splice site. In summary, the available evidence is currently insufficient to determine the role of this variant in disease. Therefore, it has been classified as a Variant of Uncertain Significance.

Literature cited by the submitters: PubMed 17576681; PubMed 9536098.